The following is an entry in ClinVar:

NM_001370259.2(MEN1):c.845A>G (p.Asn282Ser)

Gene: MEN1 (menin 1; minus strand). Cytogenetic location: 11q13.1.
Variant type: single nucleotide variant.
Coding change: c.845A>G on transcript NM_001370259.2 (MANE Select); coding-DNA position 845, A replaced by G.
Protein change: p.Asn282Ser; replaces asparagine 282 with serine.
Molecular consequence: missense variant.
Genome position (GRCh38, 1-based): chr11:64,807,078, T>C on the plus strand (A>G on the coding strand, the complement: MEN1 is on the minus strand). VCF-style: chr11-64807078-T-C. GRCh37 (hg19) VCF-style: chr11-64574550-T-C.
Other names: c.860A>G, p.Asn287Ser (NM_130802.3, NM_130803.3, NM_130804.3 and 3 more transcripts); c.845A>G, p.Asn282Ser (NM_001370251.2, NM_001370260.2, NM_001370261.2 and 1 more transcripts); c.740A>G, p.Asn247Ser (NM_001370262.2, NM_001370263.2); short protein forms N282S, N247S, N287S.
Identifiers: ClinVar variation 822460 (VCV000822460.11), dbSNP rs1592646672, ClinGen allele CA381183683.

ClinVar aggregate classification (germline): Uncertain significance. Review status: criteria provided, multiple submitters, no conflicts (2 of 4 stars). 3 submissions from 3 submitters: Uncertain significance (3). Last evaluated 2024-08-12.

Conditions:
Hereditary cancer-predisposing syndrome. Also called: Hereditary Cancer Syndrome; Neoplastic Syndromes, Hereditary; Hereditary neoplastic syndrome; Tumor predisposition. Identifiers: Orphanet 140162, MedGen C0027672, MeSH D009386, MONDO:0015356.
Multiple endocrine neoplasia, type 1 (MEN1). Also called: MEN I; WERMER SYNDROME; Endocrine adenomatosis multiple; MEN 1; MEA I. Identifiers: Orphanet 652, MedGen C0025267, MeSH D018761, MONDO:0007540, OMIM 131100.

Allele frequency attached by ClinVar (database versions not stated): TOPMed below 0.00001.

Submissions (3):

Labcorp Genetics (formerly Invitae), Labcorp
Classification: Uncertain significance for Multiple endocrine neoplasia, type 1. Last evaluated: 2024-08-12. Review status: criteria provided, single submitter. Criteria: Invitae Variant Classification Sherloc (09022015). Collection method: clinical testing. Allele origin: germline.
Comment: This sequence change replaces asparagine, which is neutral and polar, with serine, which is neutral and polar, at codon 282 of the MEN1 protein (p.Asn282Ser). This variant is not present in population databases (gnomAD no frequency). This variant has not been reported in the literature in individuals affected with MEN1-related conditions. ClinVar contains an entry for this variant (Variation ID: 822460). Advanced modeling of protein sequence and biophysical properties (such as structural, functional, and spatial information, amino acid conservation, physicochemical variation, residue mobility, and thermodynamic stability) performed at Invitae indicates that this missense variant is expected to disrupt MEN1 protein function with a positive predictive value of 95%. In summary, the available evidence is currently insufficient to determine the role of this variant in disease. Therefore, it has been classified as a Variant of Uncertain Significance.

Revvity Omics, Revvity
Classification: Uncertain significance for Multiple endocrine neoplasia, type 1. Last evaluated: 2024-03-11. Review status: criteria provided, single submitter. Criteria: ACMG Guidelines, 2015. Collection method: clinical testing. Allele origin: germline.

Ambry Genetics
Classification: Uncertain significance for Hereditary cancer-predisposing syndrome. Last evaluated: 2019-05-20. Review status: criteria provided, single submitter. Criteria: Ambry Variant Classification Scheme 2023. Collection method: clinical testing. Allele origin: germline.
Comment: The p.N282S variant (also known as c.845A>G), located in coding exon 5 of the MEN1 gene, results from an A to G substitution at nucleotide position 845. The asparagine at codon 282 is replaced by serine, an amino acid with highly similar properties. This amino acid position is well conserved in available vertebrate species. In addition, the in silico prediction for this alteration is inconclusive. Since supporting evidence is limited at this time, the clinical significance of this alteration remains unclear.